The following is an entry in ClinVar:

ClinVar aggregate classification (germline): Uncertain significance (1 of 4 stars; one submission).

Conditions:
Singleton-Merten syndrome 1 (SGMRT1). Also called: Widened medullary cavities of bone, aortic calcification, abnormal dentition, and muscular weakness; Syndrome of widened medullary cavities of the metacarpals and phalanges, aortic calcification and abnormal dentition. Identifiers: Orphanet 85191, MedGen C4225427, MONDO:0024535, OMIM 182250.
Aicardi-Goutieres syndrome 7 (AGS7). Identifiers: Orphanet 51, MedGen C3888244, MONDO:0014367, OMIM 615846.

Submission:

Labcorp Genetics (formerly Invitae), Labcorp
Classification: Uncertain significance for Aicardi-Goutieres syndrome 7; Singleton-Merten syndrome 1. Last evaluated: 2022-06-13. Review status: criteria provided, single submitter. Criteria: Invitae Variant Classification Sherloc (09022015). Collection method: clinical testing. Allele origin: germline.
Comment: In summary, the available evidence is currently insufficient to determine the role of this variant in disease. Therefore, it has been classified as a Variant of Uncertain Significance. Algorithms developed to predict the effect of missense changes on protein structure and function (SIFT, PolyPhen-2, Align-GVGD) all suggest that this variant is likely to be tolerated. This variant has not been reported in the literature in individuals affected with IFIH1-related conditions. This variant is not present in population databases (gnomAD no frequency). This sequence change replaces glutamic acid, which is acidic and polar, with lysine, which is basic and polar, at codon 81 of the IFIH1 protein (p.Glu81Lys).

NM_022168.4(IFIH1):c.241G>A (p.Glu81Lys)

Gene: IFIH1 (interferon induced with helicase C domain 1; minus strand). Cytogenetic location: 2q24.2.
Variant type: single nucleotide variant.
Coding change: c.241G>A on transcript NM_022168.4 (MANE Select); coding-DNA position 241, G replaced by A.
Protein change: p.Glu81Lys; replaces glutamic acid 81 with lysine.
Molecular consequence: missense variant.
Genome position (GRCh38, 1-based): chr2:162,318,067, C>T on the plus strand (G>A on the coding strand, the complement: IFIH1 is on the minus strand). VCF-style: chr2-162318067-C-T. GRCh37 (hg19) VCF-style: chr2-163174577-C-T.
Other names: short protein forms E81K.
Identifiers: ClinVar variation 1413658 (VCV001413658.6), dbSNP rs2105238289, ClinGen allele CA349013780.